The following is an entry in ClinVar:

NM_001360016.2(G6PD):c.811G>A (p.Val271Met)

Gene: G6PD (glucose-6-phosphate dehydrogenase; minus strand). Cytogenetic location: Xq28.
Variant type: single nucleotide variant.
Coding change: c.811G>A on transcript NM_001360016.2 (MANE Select); coding-DNA position 811, G replaced by A.
Protein change: p.Val271Met; replaces valine 271 with methionine.
Molecular consequence: missense variant.
Genome position (GRCh38, 1-based): chrX:154,533,629, C>T on the plus strand (G>A on the coding strand, the complement: G6PD is on the minus strand). VCF-style: chrX-154533629-C-T. GRCh37 (hg19) VCF-style: chrX-153761844-C-T.
Other names: c.901G>A, p.Val301Met (NM_000402.4); c.811G>A, p.Val271Met (NM_001042351.3); short protein forms V301M, V271M.
Identifiers: ClinVar variation 3677304 (VCV003677304.2).
Genomic context (GRCh38, chrX:154,533,629, plus strand): 5'-CCCCTACCTTCTCATCACGGACGTCATCTGAGTTGGTGGAGGCGGGCTTCTCCATGGCCA[C>T]CAGACACAGCATCTGCAGTAGGTGGTTCTGCATCACGTCCCTGGGGACGGAAGAGGCCAG-3'
Protein context (NP_001346945.1, residues 261-281): QNHLLQMLCL[Val271Met]AMEKPASTNS

ClinVar aggregate classification (germline): Uncertain significance (1 of 4 stars; one submission).

Conditions:
Anemia, nonspherocytic hemolytic, due to G6PD deficiency (CNSHA1). Also called: ANEMIA, CONGENITAL, NONSPHEROCYTIC HEMOLYTIC, 1; Class I glucose-6-phosphate dehydrogenase deficiency; Favism, susceptibility to; Hemolytic anemia due to G6PD deficiency. Identifiers: Orphanet 466026, MedGen C2720289, MONDO:0010480, OMIM 300908.

gnomAD v4.1: 1 of 1,212,125 alleles (0.000082%); highest among the groups gnomAD compares: South Asian, 0.0018%; no homozygotes.

Submission:

Labcorp Genetics (formerly Invitae), Labcorp
Classification: Uncertain significance for Anemia, nonspherocytic hemolytic, due to G6PD deficiency. Last evaluated: 2024-07-15. Review status: criteria provided, single submitter. Criteria: Invitae Variant Classification Sherloc (09022015). Collection method: clinical testing. Allele origin: germline.
Comment: This sequence change replaces valine, which is neutral and non-polar, with methionine, which is neutral and non-polar, at codon 271 of the G6PD protein (p.Val271Met). This variant is not present in population databases (gnomAD no frequency). This variant has not been reported in the literature in individuals affected with G6PD-related conditions. Advanced modeling of protein sequence and biophysical properties (such as structural, functional, and spatial information, amino acid conservation, physicochemical variation, residue mobility, and thermodynamic stability) performed at Invitae indicates that this missense variant is expected to disrupt G6PD protein function with a positive predictive value of 95%. In summary, the available evidence is currently insufficient to determine the role of this variant in disease. Therefore, it has been classified as a Variant of Uncertain Significance.